The following is an entry in ClinVar:

ClinVar aggregate classification (germline): Uncertain significance (1 of 4 stars; one submission).

Conditions:
Malignant hyperthermia, susceptibility to, 1 (MHS1). Also called: Anesthesia related hyperthermia; Malignant hyperpyrexia; Fulminating hyperpyrexia; Pharmacogenic myopathy; RYR1-Related Malignant Hyperthermia Susceptibility; Malignant hyperthermia suceptibility 1. Identifiers: Orphanet 423, MedGen C2930980, MONDO:0007783, OMIM 145600.

Submission:

All of Us Research Program, National Institutes of Health
Classification: Uncertain significance for Malignant hyperthermia, susceptibility to, 1. Last evaluated: 2024-01-11. Review status: criteria provided, single submitter. Criteria: ACMG Guidelines, 2015. Collection method: clinical testing. Allele origin: germline. Inheritance: Autosomal dominant inheritance. Observed: 2 variant alleles, 2 heterozygotes.
Comment: This variant causes a G to A nucleotide substitution at the +3 position of intron 104 of the RYR1 gene. To our knowledge, functional studies have not been reported for this variant. This variant has not been reported in individuals affected with RYR1-related disorders in the literature. This variant has not been identified in the general population by the Genome Aggregation Database (gnomAD). The available evidence is insufficient to determine the role of this variant in disease conclusively. Therefore, this variant is classified as a Variant of Uncertain Significance.

This study involves interpretation of variants in research participants for the purpose of population health screening. Participant phenotype was not available at the time of variant classification. Additional details can be found in publication PMID: 35346344, PMCID: PMC8962531

NM_000540.3(RYR1):c.14969+3G>A

Gene: RYR1 (ryanodine receptor 1; plus strand). Cytogenetic location: 19q13.2.
Variant type: single nucleotide variant.
Coding change: c.14969+3G>A on transcript NM_000540.3 (MANE Select); 3 bases into the intron after coding-DNA position 14969, G replaced by A.
Molecular consequence: intron variant.
Genome position (GRCh38, 1-based): chr19:38,586,194, G>A. VCF-style: chr19-38586194-G-A. GRCh37 (hg19) VCF-style: chr19-39076834-G-A.
Other names: c.14954+3G>A (NM_001042723.2).
Identifiers: ClinVar variation 3073504 (VCV003073504.1), dbSNP rs2514780481, ClinGen allele CA2825002804.